The following is an entry in ClinVar:

NM_017934.7(PHIP):c.1010C>T (p.Ala337Val)

Gene: PHIP (PHIP subunit of CUL4-Ring ligase complex; minus strand). Cytogenetic location: 6q14.1.
Variant type: single nucleotide variant.
Coding change: c.1010C>T on transcript NM_017934.7 (MANE Select); coding-DNA position 1010, C replaced by T.
Protein change: p.Ala337Val; replaces alanine 337 with valine.
Molecular consequence: missense variant.
Genome position (GRCh38, 1-based): chr6:79,017,568, G>A on the plus strand (C>T on the coding strand, the complement: PHIP is on the minus strand). VCF-style: chr6-79017568-G-A. GRCh37 (hg19) VCF-style: chr6-79727285-G-A.
Other names: c.1010C>T (NM_017934.6); short protein forms A337V.
Identifiers: ClinVar variation 624256 (VCV000624256.44), dbSNP rs760846343, ClinGen allele CA3900246.

ClinVar aggregate classification (germline): Uncertain significance. Review status: criteria provided, multiple submitters, no conflicts (2 of 4 stars). 2 submissions from 2 submitters: Uncertain significance (2). Last evaluated 2026-04-27.

Conditions:
PHIP-related disorder. Also called: PHIP-related condition; PHIP-related disorders.

Allele frequency attached by ClinVar (database versions not stated): gnomAD 0.00001; gnomAD exomes 0.00001 and 0.00003; ExAC 0.00002; TOPMed 0.00002.
gnomAD v4.1: 21 of 1,610,290 alleles (0.0013%); highest among the groups gnomAD compares: East Asian, 0.0022%; no homozygotes.

Submissions (2):

PreventionGenetics, part of Exact Sciences
Classification: Uncertain significance for PHIP-related condition. Last evaluated: 2026-04-27. Review status: criteria provided, single submitter. Criteria: ACMG Guidelines, 2015. Collection method: clinical testing. Allele origin: germline.
Comment: The PHIP c.1010C>T variant is predicted to result in the amino acid substitution p.Ala337Val. To our knowledge, this variant has not been reported in the literature. This variant is reported in 0.0053% of alleles in individuals of European (Non-Finnish) descent in gnomAD. At this time, the clinical significance of this variant is uncertain due to the absence of conclusive functional and genetic evidence.

CeGaT Center for Human Genetics Tuebingen
Classification: Uncertain significance. Last evaluated: 2024-03-01. Review status: criteria provided, single submitter. Criteria: CeGaT Center For Human Genetics Tuebingen Variant Classification Criteria Version 2. Collection method: clinical testing. Allele origin: germline. Affected: yes. Observed: 2 variant alleles.
Comment: PHIP: PP2